The following is an entry in ClinVar:

ClinVar aggregate classification (germline): Benign (1 of 4 stars; one submission).

Allele frequency attached by ClinVar (database versions not stated): 1000 Genomes Project 0.20284; gnomAD 0.25329 and 0.25415; gnomAD exomes 0.27652.

Submission:

GeneDx
Classification: Benign. Last evaluated: 2018-06-19. Review status: criteria provided, single submitter. Criteria: GeneDx Variant Classification (06012015). Collection method: clinical testing. Allele origin: germline. Affected: yes.
Comment: This variant is considered likely benign or benign based on one or more of the following criteria: it is a conservative change, it occurs at a poorly conserved position in the protein, it is predicted to be benign by multiple in silico algorithms, and/or has population frequency not consistent with disease.

NM_001165963.4(SCN1A):c.4853-223dup

Genes: SCN1A (sodium voltage-gated channel alpha subunit 1; minus strand), LOC102724058 (uncharacterized LOC102724058; plus strand). Cytogenetic location: 2q24.3.
Variant type: Duplication.
Coding change: c.4853-223dup on transcript NM_001165963.4 (MANE Select); 223 bases into the intron before coding-DNA position 4853, one base duplicated (T; older notation c.4853-223dupT).
Molecular consequence: intron variant.
Genome position (GRCh38, 1-based): chr2:165,992,645, A duplicated on the plus strand (T on the coding strand, the reverse complement: SCN1A is on the minus strand). VCF-style (leftmost placement, unchanged base first): chr2-165992644-T-TA. GRCh37 (hg19) VCF-style: chr2-166849154-T-TA.
Other names: c.4820-223dup (NM_001353949.2, NM_001353950.2, NM_001353951.2 and 2 more transcripts); c.4769-223dup (NM_001353958.2, NM_001353957.2, NM_001165964.3); c.4853-223dup (NM_001202435.3, NM_001353948.2); c.4817-223dup (NM_001353955.2, NM_001353954.2); c.4766-223dup (NM_001353960.2); c.2411-223dup (NM_001353961.2).
Identifiers: ClinVar variation 670519 (VCV000670519.1), dbSNP rs34871628, ClinGen allele CA59799049.